The following is an entry in ClinVar:

NM_001271.4(CHD2):c.2402C>T (p.Thr801Ile)

Gene: CHD2 (chromodomain helicase DNA binding protein 2; plus strand). Cytogenetic location: 15q26.1.
Variant type: single nucleotide variant.
Coding change: c.2402C>T on transcript NM_001271.4 (MANE Select); coding-DNA position 2402, C replaced by T.
Protein change: p.Thr801Ile; replaces threonine 801 with isoleucine.
Molecular consequence: missense variant.
Genome position (GRCh38, 1-based): chr15:92,972,314, C>T. VCF-style: chr15-92972314-C-T. GRCh37 (hg19) VCF-style: chr15-93515544-C-T.
Other names: short protein forms T801I.
Identifiers: ClinVar variation 4802437 (VCV004802437.1).

ClinVar aggregate classification (germline): Uncertain significance (1 of 4 stars; one submission).

Conditions:
Developmental and epileptic encephalopathy 94 (DEE94). Also called: Epileptic encephalopathy, childhood-onset; CHD2-Related Neurodevelopmental Disorders. Identifiers: Orphanet 1942, Orphanet 2382, MedGen C3809278, MONDO:0014150, OMIM 615369.

Submission:

Labcorp Genetics (formerly Invitae), Labcorp
Classification: Uncertain significance for Developmental and epileptic encephalopathy 94. Last evaluated: 2025-12-10. Review status: criteria provided, single submitter. Criteria: Invitae Variant Classification Sherloc (09022015). Collection method: clinical testing. Allele origin: germline.
Comment: This sequence change replaces threonine, which is neutral and polar, with isoleucine, which is neutral and non-polar, at codon 801 of the CHD2 protein (p.Thr801Ile). This variant is not present in population databases (gnomAD no frequency). This variant has not been reported in the literature in individuals affected with CHD2-related conditions. Invitae Evidence Modeling of protein sequence and biophysical properties (such as structural, functional, and spatial information, amino acid conservation, physicochemical variation, residue mobility, and thermodynamic stability) indicates that this missense variant is not expected to disrupt CHD2 protein function with a negative predictive value of 95%. In summary, the available evidence is currently insufficient to determine the role of this variant in disease. Therefore, it has been classified as a Variant of Uncertain Significance.